The following is an entry in ClinVar:

ClinVar aggregate classification (germline): Uncertain significance (1 of 4 stars; one submission).

Allele frequency attached by ClinVar (database versions not stated): gnomAD exomes below 0.00001.

Submission:

Labcorp Genetics (formerly Invitae), Labcorp
Classification: Uncertain significance. Last evaluated: 2020-09-23. Review status: criteria provided, single submitter. Criteria: Invitae Variant Classification Sherloc (09022015). Collection method: clinical testing. Allele origin: germline.
Comment: In summary, the available evidence is currently insufficient to determine the role of this variant in disease. Therefore, it has been classified as a Variant of Uncertain Significance. Algorithms developed to predict the effect of missense changes on protein structure and function are either unavailable or do not agree on the potential impact of this missense change (SIFT: "Tolerated"; PolyPhen-2: "Possibly Damaging"; Align-GVGD: "Class C0"). This variant has not been reported in the literature in individuals with CACNA1F-related conditions. This variant is not present in population databases (ExAC no frequency). This sequence change replaces alanine with threonine at codon 1901 of the CACNA1F protein (p.Ala1901Thr). The alanine residue is moderately conserved and there is a small physicochemical difference between alanine and threonine.

NM_001256789.3(CACNA1F):c.5668G>A (p.Ala1890Thr)

Gene: CACNA1F (calcium voltage-gated channel subunit alpha1 F; minus strand). Cytogenetic location: Xp11.23.
Variant type: single nucleotide variant.
Coding change: c.5668G>A on transcript NM_001256789.3 (MANE Select); coding-DNA position 5668, G replaced by A.
Protein change: p.Ala1890Thr; replaces alanine 1890 with threonine.
Molecular consequence: missense variant.
Genome position (GRCh38, 1-based): chrX:49,205,618, C>T on the plus strand (G>A on the coding strand, the complement: CACNA1F is on the minus strand). VCF-style: chrX-49205618-C-T. GRCh37 (hg19) VCF-style: chrX-49062078-C-T.
Other names: c.5506G>A, p.Ala1836Thr (NM_001256790.3); c.5701G>A, p.Ala1901Thr (NM_005183.4); short protein forms A1836T, A1890T, A1901T.
Identifiers: ClinVar variation 1002505 (VCV001002505.8), dbSNP rs2065586286, ClinGen allele CA412956735.
Genomic context (GRCh38, chrX:49,205,618, plus strand): 5'-GTACCCACCTCCTCCCCTTCTCCCCCATCCGTCTTGTCTATATGCCCTCTGGACTCACAG[C>T]CTCCACCAAGCTGTCGGCACTGCCCCTCTTCCCATGGCTGGGGTCCGAGTGGGTTCCAGG-3'
Protein context (NP_001243718.1, residues 1880-1900): KRGSADSLVE[Ala1890Thr]VLISEGLGLF